The following is an entry in ClinVar:

NM_002615.7(SERPINF1):c.1091G>A (p.Trp364Ter)

Gene: SERPINF1 (serpin family F member 1; plus strand). Cytogenetic location: 17p13.3.
Variant type: single nucleotide variant.
Coding change: c.1091G>A on transcript NM_002615.7 (MANE Select); coding-DNA position 1091, G replaced by A.
Protein change: p.Trp364Ter; replaces tryptophan 364 with a stop codon.
Molecular consequence: nonsense.
Genome position (GRCh38, 1-based): chr17:1,777,280, G>A. VCF-style: chr17-1777280-G-A. GRCh37 (hg19) VCF-style: chr17-1680574-G-A.
Other names: c.1091G>A, p.Trp364Ter (NM_001329903.2); c.530G>A, p.Trp177Ter (NM_001329904.2, NM_001329905.2); short protein forms W177*, W364*.
Identifiers: ClinVar variation 1687527 (VCV001687527.1), dbSNP rs767448036, ClinGen allele CA8274954.

ClinVar aggregate classification (germline): Likely pathogenic (1 of 4 stars; one submission).

Conditions:
Osteogenesis imperfecta type 6. Also called: Osteogenesis imperfecta, type VI. Identifiers: Orphanet 666, MedGen C3279564, MONDO:0013515, OMIM 613982.

Allele frequency attached by ClinVar (database versions not stated): gnomAD exomes below 0.00001; ExAC 0.00001.
gnomAD v4.1: 2 of 1,614,136 alleles (0.00012%); highest among the groups gnomAD compares: East Asian, 0.0022%; no homozygotes.

Submission:

3billion
Classification: Likely pathogenic for Osteogenesis imperfecta type 6. Last evaluated: 2022-05-22. Review status: criteria provided, single submitter. Criteria: ACMG Guidelines, 2015. Collection method: clinical testing. Allele origin: germline. Affected: yes. Observed: 1 heterozygote.
Comment: The variant is observed at an extremely low frequency in the gnomAD v2.1.1 dataset (total allele frequency: <0.001%). Stop-gained (nonsense): predicted to result in a loss or disruption of normal protein function through protein truncation. The predicted truncated protein may be shortened by more than 10%. The variant is in trans with NM_002615.7:c.1092G>A variant (3billion dataset). The variant has been reported to be associated with SERPINF1 related disorder (PMID: 28116328). Therefore, this variant is classified as likely pathogenic according to the recommendation of ACMG/AMP guideline.

Literature cited by the submitters: PubMed 28116328.